The following is an entry in ClinVar:

ClinVar aggregate classification (germline): Uncertain significance. Review status: criteria provided, multiple submitters, no conflicts (2 of 4 stars). 2 submissions from 2 submitters: Uncertain significance (2). Last evaluated 2026-05-21.

Conditions:
Autosomal recessive limb-girdle muscular dystrophy type 2J (LGMDR10). Also called: Limb-girdle muscular dystrophy, type 2J; MUSCULAR DYSTROPHY, LIMB-GIRDLE, AUTOSOMAL RECESSIVE 10. Identifiers: Orphanet 140922, MedGen C1837342, MONDO:0012127, OMIM 608807.
Dilated cardiomyopathy 1G (CMD1G). Identifiers: Orphanet 154, MedGen C1858763, MONDO:0011400, OMIM 604145.

Allele frequency attached by ClinVar (database versions not stated): gnomAD 0.00001; TOPMed 0.00002.

Submissions (2):

GeneDx
Classification: Uncertain significance. Last evaluated: 2026-05-21. Review status: criteria provided, single submitter. Criteria: GeneDx Variant Classification Process June 2021. Collection method: clinical testing. Allele origin: germline.
Comment: Not observed at significant frequency in large population cohorts (gnomAD); In silico analysis supports a deleterious effect on splicing; Has not been previously published as pathogenic or benign to our knowledge; This variant is associated with the following publications: (PMID: 23975875)

Labcorp Genetics (formerly Invitae), Labcorp
Classification: Uncertain significance for Dilated cardiomyopathy 1G; Autosomal recessive limb-girdle muscular dystrophy type 2J. Last evaluated: 2023-08-01. Review status: criteria provided, single submitter. Criteria: Invitae Variant Classification Sherloc (09022015). Collection method: clinical testing. Allele origin: germline.
Comment: This sequence change falls in intron 101 of the TTN gene. It does not directly change the encoded amino acid sequence of the TTN protein. It affects a nucleotide within the consensus splice site. In summary, the available evidence is currently insufficient to determine the role of this variant in disease. Therefore, it has been classified as a Variant of Uncertain Significance. This variant is located in the I band of TTN (PMID: 25589632). Variants in this region may be clinically relevant, but have not been definitively shown to cause cardiomyopathy or neuromuscular disease (PMID: 27493940, 32778822). Variants that disrupt the consensus splice site are a relatively common cause of aberrant splicing (PMID: 17576681, 9536098). Algorithms developed to predict the effect of sequence changes on RNA splicing suggest that this variant may disrupt the consensus splice site. ClinVar contains an entry for this variant (Variation ID: 1040276). This variant has not been reported in the literature in individuals affected with TTN-related conditions. This variant is not present in population databases (gnomAD no frequency).

Literature cited by the submitters: PubMed 25589632 (cited by Labcorp Genetics (formerly Invitae), Labcorp); PubMed 27493940 (cited by Labcorp Genetics (formerly Invitae), Labcorp); PubMed 32778822 (cited by Labcorp Genetics (formerly Invitae), Labcorp); PubMed 17576681 (cited by Labcorp Genetics (formerly Invitae), Labcorp); PubMed 9536098 (cited by Labcorp Genetics (formerly Invitae), Labcorp).

NM_001267550.2(TTN):c.29134+5G>A

Gene: TTN (titin; minus strand). Cytogenetic location: 2q31.2.
Variant type: single nucleotide variant.
Coding change: c.29134+5G>A on transcript NM_001267550.2 (MANE Select); 5 bases into the intron after coding-DNA position 29134, G replaced by A.
Molecular consequence: intron variant.
Genome position (GRCh38, 1-based): chr2:178,706,857, C>T on the plus strand (G>A on the coding strand, the complement: TTN is on the minus strand). VCF-style: chr2-178706857-C-T. GRCh37 (hg19) VCF-style: chr2-179571584-C-T.
Other names: c.13282+31225G>A (NM_003319.4); c.13858+31225G>A (NM_133437.4); c.13657+31225G>A (NM_133432.3); c.25402+5G>A (NM_133378.4); c.28183+5G>A (NM_001256850.1).
Identifiers: ClinVar variation 1040276 (VCV001040276.11), dbSNP rs2075957069, ClinGen allele CA1039716999.